The following is an entry in ClinVar:

ClinVar aggregate classification (germline): Benign. Review status: criteria provided, multiple submitters, no conflicts (2 of 4 stars). 2 submissions from 2 submitters: Benign (2). Last evaluated 2019-01-18.

Allele frequency attached by ClinVar (database versions not stated): 1000 Genomes Project 0.04173; 1000 Genomes Project 30x 0.04403; TOPMed 0.04740; gnomAD 0.04950 and 0.05058; gnomAD exomes 0.05405; ESP Exome Variant Server 0.05421; ExAC 0.05566.
gnomAD v4.1: 101,806 of 1,608,078 alleles (6.3%); highest among the groups gnomAD compares: Middle Eastern, 10%; 3,551 homozygotes.

Submissions (2):

GeneDx
Classification: Benign. Last evaluated: 2019-01-18. Review status: criteria provided, single submitter. Criteria: GeneDx Variant Classification Process June 2021. Collection method: clinical testing. Allele origin: germline. Affected: yes.
Comment: This variant is associated with the following publications: (PMID: 30181294)

Breakthrough Genomics
Classification: Benign. Review status: criteria provided, single submitter. Criteria: ACMG Guidelines, 2015. Collection method: not provided. Allele origin: germline. Inheritance: Unknown mechanism. Affected: yes.

NM_152284.4(CHMP4C):c.694G>A (p.Ala232Thr)

Gene: CHMP4C (charged multivesicular body protein 4C; plus strand). Cytogenetic location: 8q21.13.
Variant type: single nucleotide variant.
Coding change: c.694G>A on transcript NM_152284.4 (MANE Select); coding-DNA position 694, G replaced by A.
Protein change: p.Ala232Thr; replaces alanine 232 with threonine.
Molecular consequence: missense variant.
Genome position (GRCh38, 1-based): chr8:81,758,536, G>A. VCF-style: chr8-81758536-G-A. GRCh37 (hg19) VCF-style: chr8-82670771-G-A.
Other names: short protein forms A232T.
Identifiers: ClinVar variation 1225623 (VCV001225623.4), dbSNP rs35094336, ClinGen allele CA4793606.